The following is an entry in ClinVar:

ClinVar aggregate classification (germline): Likely benign (1 of 4 stars; one submission).

Allele frequency attached by ClinVar (database versions not stated): gnomAD 0.00405 and 0.00423; TOPMed 0.00450; 1000 Genomes Project 0.00479; 1000 Genomes Project 30x 0.00484.
gnomAD v4.1: 1,025 of 1,307,748 alleles (0.078%); highest among the groups gnomAD compares: African/African-American, 1.4%; 4 homozygotes.

Submission:

GeneDx
Classification: Likely benign. Last evaluated: 2021-10-19. Review status: criteria provided, single submitter. Criteria: GeneDx Variant Classification Process June 2021. Collection method: clinical testing. Allele origin: germline. Affected: yes.
Comment: See Variant Classification Assertion Criteria.

NM_004793.4(LONP1):c.1773+148C>G

Gene: LONP1 (lon peptidase 1, mitochondrial; minus strand). Cytogenetic location: 19p13.3.
Variant type: single nucleotide variant.
Coding change: c.1773+148C>G on transcript NM_004793.4 (MANE Select); 148 bases into the intron after coding-DNA position 1773, C replaced by G.
Molecular consequence: intron variant.
Genome position (GRCh38, 1-based): chr19:5,696,522, G>C on the plus strand (C>G on the coding strand, the complement: LONP1 is on the minus strand). VCF-style: chr19-5696522-G-C. GRCh37 (hg19) VCF-style: chr19-5696533-G-C.
Other names: c.1185+148C>G (NM_001276480.1); c.1581+148C>G (NM_001276479.2).
Identifiers: ClinVar variation 1678723 (VCV001678723.2), dbSNP rs544843800, ClinGen allele CA304611012.
Genomic context (GRCh38, chr19:5,696,522, plus strand): 5'-CCGAGTGAGAGCGGCACCCACACCCTGCCTTGGACGGGCAGCCTGCTGGGCGTGGCTGTG[G>C]GTGGGAGGGACCCGTCCGTGCCATCAGGGCCAGCATCACGGCGATGGCCCCTGAGTTGGC-3'